The following is an entry in ClinVar:

ClinVar aggregate classification (germline): Uncertain significance. Review status: criteria provided, multiple submitters, no conflicts (2 of 4 stars). 2 submissions from 2 submitters: Uncertain significance (2). Last evaluated 2025-11-24.

gnomAD v4.1: 6 of 1,614,058 alleles (0.00037%); highest among the groups gnomAD compares: South Asian, 0.0011%; no homozygotes.

Submissions (2):

Ambry Genetics
Classification: Uncertain significance. Last evaluated: 2025-11-24. Review status: criteria provided, single submitter. Criteria: Ambry Variant Classification Scheme 2023. Collection method: clinical testing. Allele origin: germline.

Labcorp Genetics (formerly Invitae), Labcorp
Classification: Uncertain significance. Last evaluated: 2025-10-08. Review status: criteria provided, single submitter. Criteria: Invitae Variant Classification Sherloc (09022015). Collection method: clinical testing. Allele origin: germline.
Comment: This sequence change replaces alanine, which is neutral and non-polar, with valine, which is neutral and non-polar, at codon 479 of the BACH2 protein (p.Ala479Val). This variant is present in population databases (rs542772731, gnomAD 0.004%). This variant has not been reported in the literature in individuals affected with BACH2-related conditions. Invitae Evidence Modeling of protein sequence and biophysical properties (such as structural, functional, and spatial information, amino acid conservation, physicochemical variation, residue mobility, and thermodynamic stability) indicates that this missense variant is not expected to disrupt BACH2 protein function with a negative predictive value of 80%. In summary, the available evidence is currently insufficient to determine the role of this variant in disease. Therefore, it has been classified as a Variant of Uncertain Significance.

NM_021813.4(BACH2):c.1436C>T (p.Ala479Val)

Gene: BACH2 (BACH transcriptional regulator 2; minus strand). Cytogenetic location: 6q15.
Variant type: single nucleotide variant.
Coding change: c.1436C>T on transcript NM_021813.4 (MANE Select); coding-DNA position 1436, C replaced by T.
Protein change: p.Ala479Val; replaces alanine 479 with valine.
Molecular consequence: missense variant.
Genome position (GRCh38, 1-based): chr6:89,950,670, G>A on the plus strand (C>T on the coding strand, the complement: BACH2 is on the minus strand). VCF-style: chr6-89950670-G-A. GRCh37 (hg19) VCF-style: chr6-90660389-G-A.
Other names: c.1436C>T, p.Ala479Val (NM_001170794.2); short protein forms A479V.
Identifiers: ClinVar variation 4645056 (VCV004645056.2).